The following is an entry in ClinVar:

NM_000310.4(PPT1):c.541G>T (p.Val181Leu)

Gene: PPT1 (palmitoyl-protein thioesterase 1; minus strand). Cytogenetic location: 1p34.2.
Variant type: single nucleotide variant.
Coding change: c.541G>T on transcript NM_000310.4 (MANE Select); coding-DNA position 541, G replaced by T.
Protein change: p.Val181Leu; replaces valine 181 with leucine.
Molecular consequence: missense variant.
Genome position (GRCh38, 1-based): chr1:40,080,483, C>A on the plus strand (G>T on the coding strand, the complement: PPT1 is on the minus strand). VCF-style: chr1-40080483-C-A. GRCh37 (hg19) VCF-style: chr1-40546155-C-A.
Other names: c.232G>T, p.Val78Leu (NM_001142604.2); c.541G>T, p.Val181Leu (NM_001363695.2); short protein forms V181L, V78L.
Identifiers: ClinVar variation 56202 (VCV000056202.22), dbSNP rs148412181, ClinGen allele CA263521.

ClinVar aggregate classification (germline): Pathogenic. Review status: criteria provided, multiple submitters, no conflicts (2 of 4 stars). 10 submissions from 10 submitters: Pathogenic (8). 2 of the submissions do not count toward it. Last evaluated 2025-12-24.

Conditions:
Neuronal ceroid lipofuscinosis. Also called: Neuronal Ceroid Lipofuscinoses. Identifiers: Orphanet 216, Orphanet 79263, MedGen C0027877, MONDO:0016295. Disease mechanism: loss of function.
Neuronal ceroid lipofuscinosis 1 (CLN1). Also called: CEROID LIPOFUSCINOSIS, NEURONAL, 1, VARIABLE AGE AT ONSET; PPT1-Related Neuronal Ceroid-Lipofuscinosis. Identifiers: Orphanet 228329, MedGen C1850451, MONDO:0009744, OMIM 256730.

Allele frequency attached by ClinVar (database versions not stated): TOPMed 0.00001.

Submissions (10):

Natera, Inc.
Classification: Pathogenic for Neuronal ceroid lipofuscinosis 1. Last evaluated: 2025-12-24. Review status: criteria provided, single submitter. Criteria: Natera Variant Classification Schema (03/2026). Collection method: clinical testing. Allele origin: germline.
Comment: The c.541G>T variant in PPT1 is a missense variant predicted to cause substitution of valine to leucine at amino acid 181. This variant is rare in the general population with a frequency below the threshold expected for the associated phenotype(s). This variant has been observed in one or more individuals affected with the associated recessive disease, as either homozygous or compound heterozygous with a second variant (PMID: 21499717). Given the available evidence, this variant is classified as Pathogenic.

3billion
Classification: Pathogenic for Neuronal ceroid lipofuscinosis 1. Last evaluated: 2025-08-04. Review status: criteria provided, single submitter. Criteria: ACMG Guidelines, 2015. Collection method: clinical testing. Allele origin: germline. Affected: yes.
Comment: The variant is observed at an extremely low frequency in the gnomAD v4.1.0 dataset (total allele frequency: <0.001%). Predicted Consequence/Location: Missense variant In silico tool predictions suggest damaging effect of the variant on gene or gene product [REVEL: 0.80 (>=0.6, sensitivity 0.68 and specificity 0.92); 3Cnet: 0.89 (> 0.75, sensitivity 0.96 and precision 0.92)]. The same nucleotide change resulting in the same amino acid change has been previously reported as pathogenic/likely pathogenic with strong evidence (ClinVar ID: VCV000056202 /PMID: 10477428). A different missense change at the same codon (p.Val181Met) has been reported as pathogenic/likely pathogenic with strong evidence (ClinVar ID: VCV000188857 /PMID: 9664077). Therefore, this variant is classified as Pathogenic according to the recommendation of ACMG/AMP guideline.

Labcorp Genetics (formerly Invitae), Labcorp
Classification: Pathogenic for Neuronal ceroid lipofuscinosis 1. Last evaluated: 2024-08-21. Review status: criteria provided, single submitter. Criteria: Invitae Variant Classification Sherloc (09022015). Collection method: clinical testing. Allele origin: germline.
Comment: This sequence change replaces valine, which is neutral and non-polar, with leucine, which is neutral and non-polar, at codon 181 of the PPT1 protein (p.Val181Leu). This variant is present in population databases (rs148412181, gnomAD 0.007%). This missense change has been observed in individual(s) with neuronal ceroid lipofuscinosis (NCL) (PMID: 10477428, 19302939, 21499717). It has also been observed to segregate with disease in related individuals. ClinVar contains an entry for this variant (Variation ID: 56202). Invitae Evidence Modeling of protein sequence and biophysical properties (such as structural, functional, and spatial information, amino acid conservation, physicochemical variation, residue mobility, and thermodynamic stability) indicates that this missense variant is expected to disrupt PPT1 protein function with a positive predictive value of 80%. Experimental studies have shown that this missense change affects PPT1 function (PMID: 28878621). This variant disrupts the p.Val181 amino acid residue in PPT1. Other variant(s) that disrupt this residue have been determined to be pathogenic (PMID: 9664077, 11440996, 22387303, 23374165, 28878621). This suggests that this residue is clinically significant, and that variants that disrupt this residue are likely to be disease-causing. For these reasons, this variant has been classified as Pathogenic.

Baylor Genetics
Classification: Pathogenic for Neuronal ceroid lipofuscinosis 1. Last evaluated: 2024-03-18. Review status: criteria provided, single submitter. Criteria: ACMG Guidelines, 2015. Collection method: clinical testing. Allele origin: unknown.

Mayo Clinic Laboratories, Mayo Clinic
Classification: Pathogenic. Last evaluated: 2023-11-06. Review status: criteria provided, single submitter. Criteria: ACMG Guidelines, 2015. Collection method: clinical testing. Allele origin: germline. Observed: 1 variant allele.
Comment: PP3, PP4, PM2_moderate, PM3_strong, PM5, PS4_moderate

GeneDx
Classification: Pathogenic. Last evaluated: 2023-03-13. Review status: criteria provided, single submitter. Criteria: GeneDx Variant Classification Process June 2021. Collection method: clinical testing. Allele origin: germline. Affected: yes.
Comment: Not observed at significant frequency in large population cohorts (gnomAD); In silico analysis supports that this missense variant does not alter protein structure/function; This variant is associated with the following publications: (PMID: 12125808, 21499717, 19302939, 21990111, 15965709, 28878621, 34426522, 31741823, 34440436, 10477428, 22387303, 12796825)

Centre of Medical Genetics, University Hospital Muenster
Classification: Pathogenic. Last evaluated: 2022-04-12. Review status: criteria provided, single submitter. Criteria: ACMG Guidelines, 2015. Collection method: clinical testing. Allele origin: unknown. Affected: yes. Observed: 1 variant allele, 1 heterozygote.
Comment: ACMG categories: PS3,PS4,PM2,PP3,PP5

Women's Health and Genetics/Laboratory Corporation of America, LabCorp
Classification: Pathogenic for Neuronal ceroid lipofuscinosis. Last evaluated: 2021-05-31. Review status: criteria provided, single submitter. Criteria: LabCorp Variant Classification Summary - May 2015. Collection method: clinical testing. Allele origin: germline.
Comment: Variant summary: PPT1 c.541G>T (p.Val181Leu) results in a conservative amino acid change in the encoded protein sequence. Three of five in-silico tools predict a damaging effect of the variant on protein function. The variant allele was found at a frequency of 1.2e-05 in 251372 control chromosomes. c.541G>T has been reported in the literature in multiple individuals affected with Neuronal Ceroid-Lipofuscinosis (Batten Disease) (example, Simonati_2009, Perez-Poyato_2011, Pezzini_2017, Jiliani_2019). These data indicate that the variant is very likely to be associated with disease. At least one publication reports experimental evidence evaluating an impact on protein function. The most pronounced variant effect results in <10% of normal PPT1 enzyme activity (example, Perez-Poyato_2011). Three clinical diagnostic laboratories have submitted clinical-significance assessments for this variant to ClinVar after 2014 without evidence for independent evaluation. All laboratories classified the variant as pathogenic/likely pathogenic. Based on the evidence outlined above, the variant was classified as pathogenic.

Counsyl
Classification: Likely pathogenic for Neuronal ceroid lipofuscinosis 1. Last evaluated: 2015-12-09. Review status: no assertion criteria provided. Collection method: clinical testing. Allele origin: unknown. Not counted in ClinVar's aggregate classification.

Juha Muilu Group; Institute for Molecular Medicine Finland (FIMM)
Classification: Likely pathogenic for Ceroid lipofuscinosis neuronal 1. Review status: no assertion criteria provided. Collection method: not provided. Allele origin: unknown. Not counted in ClinVar's aggregate classification.
Comment: FinDis database variant: This variant was not found or characterized by our laboratory, data were collected from public sources: see reference
ClinVar note: Converted during submission from probable-pathogenic to Likely pathogenic.

Literature cited by the submitters: PubMed 21499717 (cited by 5 submitters); PubMed 10477428 (cited by 4 submitters); PubMed 9664077 (cited by 3billion and Labcorp Genetics (formerly Invitae), Labcorp); PubMed 19302939 (cited by 4 submitters); PubMed 28878621 (cited by 3 submitters); PubMed 11440996 (cited by Labcorp Genetics (formerly Invitae), Labcorp); PubMed 22387303 (cited by Labcorp Genetics (formerly Invitae), Labcorp); PubMed 23374165 (cited by Labcorp Genetics (formerly Invitae), Labcorp); PubMed 15965709 (cited by Mayo Clinic Laboratories, Mayo Clinic); PubMed 30380624 (cited by Mayo Clinic Laboratories, Mayo Clinic); PubMed 31741823 (cited by Mayo Clinic Laboratories, Mayo Clinic and Women's Health and Genetics/Laboratory Corporation of America, LabCorp); PubMed 34440436 (cited by Mayo Clinic Laboratories, Mayo Clinic).